The following is an entry in ClinVar:

NM_144997.7(FLCN):c.-97C>T

Gene: FLCN (folliculin; minus strand). Cytogenetic location: 17p11.2.
Variant type: single nucleotide variant.
Coding change: c.-97C>T on transcript NM_144997.7 (MANE Select); 97 bases upstream of the start codon, C replaced by T.
Molecular consequence: 5 prime UTR variant.
Genome position (GRCh38, 1-based): chr17:17,231,866, G>A on the plus strand (C>T on the coding strand, the complement: FLCN is on the minus strand). VCF-style: chr17-17231866-G-A. GRCh37 (hg19) VCF-style: chr17-17135180-G-A.
Other names: c.-97C>T (NM_001353229.2, NM_144606.7, LRG_325t1); c.-380C>T (NM_001353230.2); c.-296C>T (NM_001353231.2).
Identifiers: ClinVar variation 322077 (VCV000322077.5), dbSNP rs114481741, ClinGen allele CA10639034.

ClinVar aggregate classification (germline): Benign. Review status: criteria provided, multiple submitters, no conflicts (2 of 4 stars). 3 submissions from 2 submitters: Benign (3). Last evaluated 2018-01-12.

Conditions:
Familial spontaneous pneumothorax (PSP). Identifiers: Orphanet 2903, MedGen C1868193, MONDO:0008259, OMIM 173600.
Birt-Hogg-Dube syndrome. Also called: Birt Hogg Dubé syndrome. Identifiers: Orphanet 122, MedGen C0346010, MONDO:0800444.

Allele frequency attached by ClinVar (database versions not stated): gnomAD 0.02691; 1000 Genomes Project 0.02895; TOPMed 0.02990; 1000 Genomes Project 30x 0.02998.

Submissions (3):

Illumina Laboratory Services, Illumina
Classification: Benign for Familial spontaneous pneumothorax. Last evaluated: 2018-01-12. Review status: criteria provided, single submitter. Criteria: ICSL Variant Classification Criteria 13 December 2019. Collection method: clinical testing. Allele origin: germline.
Comment: This variant was observed in the ICSL laboratory as part of a predisposition screen in an ostensibly healthy population. It had not been previously curated by ICSL or reported in the Human Gene Mutation Database (HGMD: prior to June 1st, 2018), and was therefore a candidate for classification through an automated scoring system. Utilizing variant allele frequency, disease prevalence and penetrance estimates, and inheritance mode, an automated score was calculated to assess if this variant is too frequent to cause the disease. Based on the score and internal cut-off values, a variant classified as benign is not then subjected to further curation. The score for this variant resulted in a classification of benign for this disease.

Illumina Laboratory Services, Illumina
Classification: Benign for Birt-Hogg-Dube syndrome 1. Last evaluated: 2018-01-12. Review status: criteria provided, single submitter. Criteria: ICSL Variant Classification Criteria 13 December 2019. Collection method: clinical testing. Allele origin: germline.
Comment: the same text as in the submission from Illumina Laboratory Services, Illumina above.

GeneDx
Classification: Benign. Last evaluated: 2016-03-30. Review status: criteria provided, single submitter. Criteria: GeneDx Variant Classification (06012015). Collection method: clinical testing. Allele origin: germline. Affected: yes.
Comment: This variant is considered likely benign or benign based on one or more of the following criteria: it is a conservative change, it occurs at a poorly conserved position in the protein, it is predicted to be benign by multiple in silico algorithms, and/or has population frequency not consistent with disease.